The following is an entry in ClinVar:

ClinVar aggregate classification (germline): Likely benign. Review status: criteria provided, multiple submitters, no conflicts (2 of 4 stars). 2 submissions from 2 submitters: Likely benign (2). Last evaluated 2025-02-10.

Allele frequency attached by ClinVar (database versions not stated): gnomAD exomes below 0.00001 and 0.00002; ExAC 0.00003; gnomAD 0.00004 and 0.00005; TOPMed 0.00008.
gnomAD v4.1: 16 of 1,614,182 alleles (0.00099%); highest among the groups gnomAD compares: African/African-American, 0.013%; no homozygotes.

Submissions (2):

Labcorp Genetics (formerly Invitae), Labcorp
Classification: Likely benign. Last evaluated: 2025-02-10. Review status: criteria provided, single submitter. Criteria: Invitae Variant Classification Sherloc (09022015). Collection method: clinical testing. Allele origin: germline.

GeneDx
Classification: Likely benign. Last evaluated: 2017-10-27. Review status: criteria provided, single submitter. Criteria: GeneDx Variant Classification (06012015). Collection method: clinical testing. Allele origin: germline. Affected: yes.
Comment: This variant is considered likely benign or benign based on one or more of the following criteria: it is a conservative change, it occurs at a poorly conserved position in the protein, it is predicted to be benign by multiple in silico algorithms, and/or has population frequency not consistent with disease.

NM_022915.5(MRPL44):c.882A>G (p.Glu294=)

Gene: MRPL44 (mitochondrial ribosomal protein L44; plus strand). Cytogenetic location: 2q36.1.
Variant type: single nucleotide variant.
Coding change: c.882A>G on transcript NM_022915.5 (MANE Select); coding-DNA position 882, A replaced by G.
Protein change: p.Glu294=; no amino-acid change (glutamic acid 294 retained).
Molecular consequence: synonymous variant.
Genome position (GRCh38, 1-based): chr2:223,966,917, A>G. VCF-style: chr2-223966917-A-G. GRCh37 (hg19) VCF-style: chr2-224831634-A-G.
Identifiers: ClinVar variation 512669 (VCV000512669.8), dbSNP rs573530589, ClinGen allele CA2139145.
Genomic context (GRCh38, chr2:223,966,917, plus strand): 5'-TTCTAGTGATAAAAAGTTGATTGCAGAAGGACCTGGGGAAACAGTATTGGTTGCAGAAGA[A>G]GAGGCTGCTCGAGTGGCCCTTAGAAAACTTTATGGATTCACAGAAAATAGACGGCCGTGG-3'
Protein context (NP_075066.1, residues 284-304): GPGETVLVAE[Glu294=]EAARVALRKL